The following is an entry in ClinVar:

NM_000368.5(TSC1):c.1157C>A (p.Thr386Asn)

Gene: TSC1 (TSC complex subunit 1; minus strand). Cytogenetic location: 9q34.13.
Variant type: single nucleotide variant.
Coding change: c.1157C>A on transcript NM_000368.5 (MANE Select); coding-DNA position 1157, C replaced by A.
Protein change: p.Thr386Asn; replaces threonine 386 with asparagine.
Molecular consequence: missense variant.
Genome position (GRCh38, 1-based): chr9:132,910,677, G>T on the plus strand (C>A on the coding strand, the complement: TSC1 is on the minus strand). VCF-style: chr9-132910677-G-T. GRCh37 (hg19) VCF-style: chr9-135786064-G-T.
Other names: c.1154C>A, p.Thr385Asn (NM_001162426.2); c.1004C>A, p.Thr335Asn (NM_001162427.2); c.794C>A, p.Thr265Asn (NM_001362177.2); short protein forms T265N, T335N, T385N, T386N.
Identifiers: ClinVar variation 1027201 (VCV001027201.9), dbSNP rs1845906487, ClinGen allele CA375367168.
Genomic context (GRCh38, chr9:132,910,677, plus strand): 5'-TAGTCATCCGAATGACAGAGTGGGGCTGGAGGAGGAGAGGTTGCTGGGGTTCCCAGAGGA[G>T]TTCCTTTTCCACCTGCTTAGAGACAAGGGCAGAACATATATGAACACTGAGCCCAACTAT-3'
Protein context (NP_000359.1, residues 376-396): VFGTTAGGKG[Thr386Asn]PLGTPATSPP

ClinVar aggregate classification (germline): Uncertain significance (1 of 4 stars; one submission).

Conditions:
Tuberous sclerosis 1 (TSC1). Identifiers: Orphanet 805, MedGen C1854465, MONDO:0008612, OMIM 191100.

Submission:

Labcorp Genetics (formerly Invitae), Labcorp
Classification: Uncertain significance for Tuberous sclerosis 1. Last evaluated: 2024-09-03. Review status: criteria provided, single submitter. Criteria: Invitae Variant Classification Sherloc (09022015). Collection method: clinical testing. Allele origin: germline.
Comment: This sequence change replaces threonine, which is neutral and polar, with asparagine, which is neutral and polar, at codon 386 of the TSC1 protein (p.Thr386Asn). This variant is not present in population databases (gnomAD no frequency). This variant has not been reported in the literature in individuals affected with TSC1-related conditions. ClinVar contains an entry for this variant (Variation ID: 1027201). Invitae Evidence Modeling of protein sequence and biophysical properties (such as structural, functional, and spatial information, amino acid conservation, physicochemical variation, residue mobility, and thermodynamic stability) indicates that this missense variant is not expected to disrupt TSC1 protein function with a negative predictive value of 95%. In summary, the available evidence is currently insufficient to determine the role of this variant in disease. Therefore, it has been classified as a Variant of Uncertain Significance.